The following is an entry in ClinVar:

NM_000361.3(THBD):c.1464C>T (p.Gly488=)

Gene: THBD (thrombomodulin; minus strand). Cytogenetic location: 20p11.21.
Variant type: single nucleotide variant.
Coding change: c.1464C>T on transcript NM_000361.3 (MANE Select); coding-DNA position 1464, C replaced by T.
Protein change: p.Gly488=; no amino-acid change (glycine 488 retained).
Molecular consequence: synonymous variant.
Genome position (GRCh38, 1-based): chr20:23,048,041, G>A on the plus strand (C>T on the coding strand, the complement: THBD is on the minus strand). VCF-style: chr20-23048041-G-A. GRCh37 (hg19) VCF-style: chr20-23028678-G-A.
Identifiers: ClinVar variation 4771955 (VCV004771955.1).

ClinVar aggregate classification (germline): Uncertain significance (1 of 4 stars; one submission).

Submission:

Labcorp Genetics (formerly Invitae), Labcorp
Classification: Uncertain significance. Last evaluated: 2025-09-08. Review status: criteria provided, single submitter. Criteria: Invitae Variant Classification Sherloc (09022015). Collection method: clinical testing. Allele origin: germline.
Comment: This sequence change affects codon 488 of the THBD mRNA. It is a 'silent' change, meaning that it does not change the encoded amino acid sequence of the THBD protein. This variant is not present in population databases (gnomAD no frequency). This variant has not been reported in the literature in individuals affected with THBD-related conditions. In summary, the available evidence is currently insufficient to determine the role of this variant in disease. Therefore, it has been classified as a Variant of Uncertain Significance.